The following is an entry in ClinVar:

NM_182493.3(MYLK3):c.712G>A (p.Gly238Ser)

Gene: MYLK3 (myosin light chain kinase 3; minus strand). Cytogenetic location: 16q11.2.
Variant type: single nucleotide variant.
Coding change: c.712G>A on transcript NM_182493.3 (MANE Select); coding-DNA position 712, G replaced by A.
Protein change: p.Gly238Ser; replaces glycine 238 with serine.
Molecular consequence: missense variant. On other transcripts: intron variant (1).
Genome position (GRCh38, 1-based): chr16:46,738,000, C>T on the plus strand (G>A on the coding strand, the complement: MYLK3 is on the minus strand). VCF-style: chr16-46738000-C-T. GRCh37 (hg19) VCF-style: chr16-46771912-C-T.
Other names: c.-23+2057G>A (NM_001308301.1); short protein forms G238S.
Identifiers: ClinVar variation 2711949 (VCV002711949.3), dbSNP rs1232683707, ClinGen allele CA395794380.

ClinVar aggregate classification (germline): Uncertain significance (1 of 4 stars; one submission).

gnomAD v4.1: 2 of 1,613,716 alleles (0.00012%); highest among the groups gnomAD compares: African/African-American, 0.0013%; no homozygotes.

Submission:

Labcorp Genetics (formerly Invitae), Labcorp
Classification: Uncertain significance. Last evaluated: 2024-09-05. Review status: criteria provided, single submitter. Criteria: Invitae Variant Classification Sherloc (09022015). Collection method: clinical testing. Allele origin: germline.
Comment: This sequence change replaces glycine, which is neutral and non-polar, with serine, which is neutral and polar, at codon 238 of the MYLK3 protein (p.Gly238Ser). This variant is present in population databases (no rsID available, gnomAD 0.007%). This variant has not been reported in the literature in individuals affected with MYLK3-related conditions. An algorithm developed to predict the effect of missense changes on protein structure and function (PolyPhen-2) suggests that this variant is likely to be tolerated. In summary, the available evidence is currently insufficient to determine the role of this variant in disease. Therefore, it has been classified as a Variant of Uncertain Significance.